The following is an entry in ClinVar:

ClinVar aggregate classification (germline): Conflicting classifications of pathogenicity. Review status: criteria provided, conflicting classifications (1 of 4 stars). 5 submissions from 5 submitters: Uncertain significance (1); Benign (1); Likely benign (1). 2 of the submissions do not count toward it. Last evaluated 2025-12-08.

Conditions:
Cobalamin C disease. Also called: Methylmalonic aciduria with homocystinuria cblC type; Methylmalonic aciduria and homocystinuria, Vitamin B12-responsive; Vitamin B12 metabolic defect with combined deficiency of methylmalonyl-CoA mutase and homocysteine:methyltetrahydrofolate methyltransferase; Cobalamin-C methylmalonic acidemia and homocystinuria; Methylmalonic acidemia and homocystinuria cblC type; methylmalonic aciduria and homocystinuria type cblC. Identifiers: Orphanet 26, Orphanet 79282, MedGen C1848561, MONDO:0010184, OMIM 277400.
MMACHC-related disorder. Also called: MMACHC-related condition.
Disorders of Intracellular Cobalamin Metabolism. Identifiers: MedGen CN043592.

Allele frequency attached by ClinVar (database versions not stated): gnomAD 0.00006; TOPMed 0.00012; ExAC 0.00016; gnomAD exomes 0.00022; 1000 Genomes Project 30x 0.00172; 1000 Genomes Project 0.00200.
gnomAD v4.1: 124 of 1,614,098 alleles (0.0077%); highest among the groups gnomAD compares: East Asian, 0.23%; 2 homozygotes.

Submissions (5):

Labcorp Genetics (formerly Invitae), Labcorp
Classification: Likely benign for Cobalamin C disease. Last evaluated: 2025-12-08. Review status: criteria provided, single submitter. Criteria: Invitae Variant Classification Sherloc (09022015). Collection method: clinical testing. Allele origin: germline.

Blueprint Genetics
Classification: Benign. Last evaluated: 2023-01-03. Review status: criteria provided, single submitter. Criteria: ACMG Guidelines, 2015. Collection method: clinical testing. Allele origin: germline.

Illumina Laboratory Services, Illumina
Classification: Uncertain significance for Disorders of Intracellular Cobalamin Metabolism. Last evaluated: 2018-01-13. Review status: criteria provided, single submitter. Criteria: ICSL Variant Classification Criteria 13 December 2019. Collection method: clinical testing. Allele origin: germline.

PreventionGenetics, part of Exact Sciences
Classification: Likely benign for MMACHC-related condition. Last evaluated: 2023-03-15. Review status: no assertion criteria provided. Collection method: clinical testing. Allele origin: germline. Not counted in ClinVar's aggregate classification.
Comment: This variant is classified as likely benign based on ACMG/AMP sequence variant interpretation guidelines (Richards et al. 2015 PMID: 25741868, with internal and published modifications).

Natera, Inc.
Classification: Benign for Methylmalonic aciduria with homocystinuria cblC type. Last evaluated: 2020-06-01. Review status: no assertion criteria provided. Collection method: clinical testing. Allele origin: germline. Not counted in ClinVar's aggregate classification.

NM_015506.3(MMACHC):c.458G>A (p.Arg153Gln)

Gene: MMACHC (metabolism of cobalamin associated C; plus strand). Cytogenetic location: 1p34.1.
Variant type: single nucleotide variant.
Coding change: c.458G>A on transcript NM_015506.3 (MANE Select); coding-DNA position 458, G replaced by A.
Protein change: p.Arg153Gln; replaces arginine 153 with glutamine.
Molecular consequence: missense variant.
Genome position (GRCh38, 1-based): chr1:45,508,824, G>A. VCF-style: chr1-45508824-G-A. GRCh37 (hg19) VCF-style: chr1-45974496-G-A.
Other names: c.287G>A, p.Arg96Gln (NM_001330540.2); short protein forms R153Q, R96Q.
Identifiers: ClinVar variation 706370 (VCV000706370.18), dbSNP rs200276195, ClinGen allele CA827766.